The following is an entry in ClinVar:

NM_000443.4(ABCB4):c.2924+1G>A

Gene: ABCB4 (ATP binding cassette subfamily B member 4; minus strand). Cytogenetic location: 7q21.12.
Variant type: single nucleotide variant.
Coding change: c.2924+1G>A on transcript NM_000443.4 (MANE Select); the canonical splice donor site of the intron after coding-DNA position 2924, G replaced by A.
Molecular consequence: splice donor variant. On other transcripts: intron variant (1).
Genome position (GRCh38, 1-based): chr7:87,411,892, C>T on the plus strand (G>A on the coding strand, the complement: ABCB4 is on the minus strand). VCF-style: chr7-87411892-C-T. GRCh37 (hg19) VCF-style: chr7-87041208-C-T.
Other names: c.2783+1725G>A (NM_018850.3); c.2924+1G>A (NM_018849.3).
Identifiers: ClinVar variation 4846357 (VCV004846357.1).
Genomic context (GRCh38, chr7:87,411,892, plus strand): 5'-TTTGCATAAACCTACTAAAACCTTATTATAGAATAATCTTAATATTTCTAAAGCTACTTA[C>T]AGAATAACATCTCTGAAGCGCATATGTCCATTCACAATGAGATATGCACCAAATCGAAAA-3'

ClinVar aggregate classification (germline): Pathogenic (1 of 4 stars; one submission).

Conditions:
Familial intrahepatic cholestasis. Identifiers: Orphanet 284385, MedGen CN296401, MONDO:0017290.

Submission:

Genomenon, Inc
Classification: Pathogenic for Familial intrahepatic cholestasis. Last evaluated: 2026-04-14. Review status: criteria provided, single submitter. Criteria: Genomenon Sequence Variant Interpretation Standards - Updated. Collection method: curation. Allele origin: germline. Affected: yes.
Comment: ABCB4 c.2924+1G>A is a canonical splice variant affecting the donor splice site of intron 23. It is predicted to affect mRNA splicing, leading to a deleterious effect on the ABCB4 protein. This variant has been observed in at least one proband with an ABCB4-related disorder (PMID:37701337). It is absent or not present at a significant frequency in gnomAD. In conclusion, we classify ABCB4 c.2924+1G>A as a pathogenic variant.

Literature cited by the submitters: PubMed 37701337.